The following is an entry in ClinVar:

NM_020180.4(CELF4):c.710C>T (p.Thr237Met)

Gene: CELF4 (CUGBP Elav-like family member 4; minus strand). Cytogenetic location: 18q12.2.
Variant type: single nucleotide variant.
Coding change: c.710C>T on transcript NM_020180.4 (MANE Select); coding-DNA position 710, C replaced by T.
Protein change: p.Thr237Met; replaces threonine 237 with methionine.
Molecular consequence: missense variant. On other transcripts: non-coding transcript variant (11).
Genome position (GRCh38, 1-based): chr18:37,274,402, G>A on the plus strand (C>T on the coding strand, the complement: CELF4 is on the minus strand). VCF-style: chr18-37274402-G-A. GRCh37 (hg19) VCF-style: chr18-34854365-G-A.
Other names: c.710C>T, p.Thr237Met (NM_001025087.2, NM_001353708.2, NM_001353723.2 and 11 more transcripts); c.707C>T, p.Thr236Met (NM_001025088.2, NM_001330603.2, NM_001353696.2 and 12 more transcripts); c.680C>T, p.Thr227Met (NM_001025089.2, NM_001353699.2, NM_001353700.2 and 12 more transcripts); c.677C>T, p.Thr226Met (NM_001353695.2, NM_001353697.2, NM_001353705.2 and 16 more transcripts); c.338C>T, p.Thr113Met (NM_001353756.2, NM_001353761.2); c.311C>T, p.Thr104Met (NM_001353757.2, NM_001353760.2); c.308C>T, p.Thr103Met (NM_001353758.2, NM_001353759.2); short protein forms T236M, T103M, T113M, T104M, T226M, T237M, T227M.
Identifiers: ClinVar variation 5009728 (VCV005009728.1).

ClinVar aggregate classification (germline): Uncertain significance (1 of 4 stars; one submission).

gnomAD v4.1: 1 of 1,613,550 alleles (0.000062%); highest among the groups gnomAD compares: Non-Finnish European, 0.000085%; no homozygotes.

Submission:

GeneDx
Classification: Uncertain significance. Last evaluated: 2026-02-18. Review status: criteria provided, single submitter. Criteria: GeneDx Variant Classification Process June 2021. Collection method: clinical testing. Allele origin: germline.
Comment: In silico analysis supports that this missense variant has a deleterious effect on protein structure/function; Has not been previously published as pathogenic or benign to our knowledge